The following is an entry in ClinVar:

ClinVar aggregate classification (germline): Uncertain significance (1 of 4 stars; one submission).

Conditions:
Dilated cardiomyopathy 1G (CMD1G). Identifiers: Orphanet 154, MedGen C1858763, MONDO:0011400, OMIM 604145.
Autosomal recessive limb-girdle muscular dystrophy type 2J (LGMDR10). Also called: Limb-girdle muscular dystrophy, type 2J; MUSCULAR DYSTROPHY, LIMB-GIRDLE, AUTOSOMAL RECESSIVE 10. Identifiers: Orphanet 140922, MedGen C1837342, MONDO:0012127, OMIM 608807.

Submission:

Labcorp Genetics (formerly Invitae), Labcorp
Classification: Uncertain significance for Dilated cardiomyopathy 1G; Autosomal recessive limb-girdle muscular dystrophy type 2J. Last evaluated: 2024-12-17. Review status: criteria provided, single submitter. Criteria: Invitae Variant Classification Sherloc (09022015). Collection method: clinical testing. Allele origin: germline.
Comment: This sequence change replaces threonine, which is neutral and polar, with isoleucine, which is neutral and non-polar, at codon 35304 of the TTN protein (p.Thr35304Ile). This variant is not present in population databases (gnomAD no frequency). This variant has not been reported in the literature in individuals affected with TTN-related conditions. Experimental studies and prediction algorithms are not available or were not evaluated, and the functional significance of this variant is currently unknown. This variant is located in the M band of TTN (PMID: 25589632). Non-truncating variants in this region may be relevant for neuromuscular disorders, but have not been definitively shown to cause cardiomyopathy (PMID: 23975875). In summary, the available evidence is currently insufficient to determine the role of this variant in disease. Therefore, it has been classified as a Variant of Uncertain Significance.

Literature cited by the submitters: PubMed 25589632; PubMed 23975875.

NM_001267550.2(TTN):c.105911C>T (p.Thr35304Ile)

Genes: TTN-AS1 (TTN antisense RNA 1; plus strand), TTN (titin; minus strand), LOC129935183 (ATAC-STARR-seq lymphoblastoid active region 16808; plus strand). Cytogenetic location: 2q31.2.
Variant type: single nucleotide variant.
Coding change: c.105911C>T on transcript NM_001267550.2 (MANE Select); coding-DNA position 105911, C replaced by T.
Protein change: p.Thr35304Ile; replaces threonine 35304 with isoleucine.
Molecular consequence: missense variant.
Genome position (GRCh38, 1-based): chr2:178,530,704, G>A on the plus strand (C>T on the coding strand, the complement: TTN is on the minus strand). VCF-style: chr2-178530704-G-A. GRCh37 (hg19) VCF-style: chr2-179395431-G-A.
Other names: c.100988C>T, p.Thr33663Ile (NM_001256850.1); c.78716C>T, p.Thr26239Ile (NM_003319.4); c.98207C>T, p.Thr32736Ile (NM_133378.4); c.79091C>T, p.Thr26364Ile (NM_133432.3); c.79292C>T, p.Thr26431Ile (NM_133437.4); short protein forms T26239I, T26364I, T26431I, T32736I, T33663I, T35304I.
Identifiers: ClinVar variation 3760086 (VCV003760086.2).